The following is an entry in ClinVar:

ClinVar aggregate classification (germline): Uncertain significance (1 of 4 stars; one submission).

Conditions:
Acute myeloid leukemia (AML). Also called: Leukemia, acute myeloid, somatic; Leukemia, acute myelogenous, somatic; Acute myeloid leukemia, adult; AML adult; Acute non-lymphocytic leukemia; Acute granulocytic leukemia. Identifiers: Orphanet 519, MedGen C0023467, MeSH D015470, MONDO:0018874, OMIM 601626, HP:0004808. Disease mechanism: Constitutively activated FLT3.

Submission:

Labcorp Genetics (formerly Invitae), Labcorp
Classification: Uncertain significance for Acute myeloid leukemia. Last evaluated: 2025-08-07. Review status: criteria provided, single submitter. Criteria: Invitae Variant Classification Sherloc (09022015). Collection method: clinical testing. Allele origin: germline.
Comment: This variant, c.566_567insGCCGCCGCCCTCGCA, results in the insertion of 5 amino acid(s) of the CEBPA protein (p.Pro189_Ser190insProProProSerHis), but otherwise preserves the integrity of the reading frame. This variant is not present in population databases (gnomAD no frequency). This variant has not been reported in the literature in individuals affected with CEBPA-related conditions. ClinVar contains an entry for this variant (Variation ID: 1486701). Experimental studies and prediction algorithms are not available or were not evaluated, and the functional significance of this variant is currently unknown. In summary, the available evidence is currently insufficient to determine the role of this variant in disease. Therefore, it has been classified as a Variant of Uncertain Significance.

NM_004364.5(CEBPA):c.566_567insGCCGCCGCCCTCGCA (p.Pro189_Ser190insProProProSerHis)

Gene: CEBPA (CCAAT enhancer binding protein alpha; minus strand). Cytogenetic location: 19q13.11.
Variant type: Insertion.
Coding change: c.566_567insGCCGCCGCCCTCGCA on transcript NM_004364.5 (MANE Select); coding-DNA positions 566 to 567, GCCGCCGCCCTCGCA inserted.
Protein change: p.Pro189_Ser190insProProProSerHis.
Molecular consequence: inframe insertion.
Genome position: GRCh38 VCF-style: chr19-33301848-G-GTGCGAGGGCGGCGGC. GRCh37 (hg19) VCF-style: chr19-33792754-G-GTGCGAGGGCGGCGGC.
Other names: c.524_525insGCCGCCGCCCTCGCA, p.Pro175_Ser176insProProProSerHis (NM_001287435.2); c.209_210insGCCGCCGCCCTCGCA, p.Pro70_Ser71insProProProSerHis (NM_001285829.2); c.671_672insGCCGCCGCCCTCGCA, p.Pro224_Ser225insProProProSerHis (NM_001287424.2).
Identifiers: ClinVar variation 1486701 (VCV001486701.8), dbSNP rs1967178862, ClinGen allele CA2573156216.
Genomic context (GRCh38, chr19:33,301,848, plus strand): 5'-CTGGAACTGCAGGTGCGGGGCGGCCAGGTGCGCGGGCGGCGGGTGCGGGTGCGGGTGCGA[G>GTGCGAGGGCGGCGGC]GGCGGCGGCGGCGGCGGCGGCTGGTAAGGGAAGAGGCCGGCCAGCGCCAGCTGCTTGGCT-3'